The following is an entry in ClinVar:

ClinVar aggregate classification (germline): Uncertain significance (1 of 4 stars; one submission).

Conditions:
3-methylglutaconic aciduria, type VIIB (MGCA7B). Also called: CLPB Deficiency; 3-methylglutaconic aciduria, type VII, with cataracts, neurologic involvement and neutropenia; 3-methylglutaconic aciduria with cataracts, neurologic involvement and neutropenia. Identifiers: Orphanet 445038, MedGen C5676893, MONDO:0014561, OMIM 616271.

Allele frequency attached by ClinVar (database versions not stated): ExAC 0.00001; gnomAD exomes 0.00001.
gnomAD v4.1: 3 of 1,484,322 alleles (0.0002%); highest among the groups gnomAD compares: Non-Finnish European, 0.00018%; no homozygotes.

Submission:

Labcorp Genetics (formerly Invitae), Labcorp
Classification: Uncertain significance for 3-methylglutaconic aciduria, type VIIB. Last evaluated: 2022-08-09. Review status: criteria provided, single submitter. Criteria: Invitae Variant Classification Sherloc (09022015). Collection method: clinical testing. Allele origin: germline.
Comment: In summary, the available evidence is currently insufficient to determine the role of this variant in disease. Therefore, it has been classified as a Variant of Uncertain Significance. Algorithms developed to predict the effect of sequence changes on RNA splicing suggest that this variant may create or strengthen a splice site. Algorithms developed to predict the effect of missense changes on protein structure and function output the following: SIFT: "Tolerated"; PolyPhen-2: "Benign"; Align-GVGD: "Class C0". The arginine amino acid residue is found in multiple mammalian species, which suggests that this missense change does not adversely affect protein function. ClinVar contains an entry for this variant (Variation ID: 962505). This variant has not been reported in the literature in individuals affected with CLPB-related conditions. This variant is present in population databases (rs761122843, gnomAD 0.0009%). This sequence change replaces lysine, which is basic and polar, with arginine, which is basic and polar, at codon 283 of the CLPB protein (p.Lys283Arg).

NM_001258392.3(CLPB):c.758A>G (p.Lys253Arg)

Gene: CLPB (ClpB family mitochondrial disaggregase; minus strand). Cytogenetic location: 11q13.4.
Variant type: single nucleotide variant.
Coding change: c.758A>G on transcript NM_001258392.3 (MANE Select); coding-DNA position 758, A replaced by G.
Protein change: p.Lys253Arg; replaces lysine 253 with arginine.
Molecular consequence: missense variant.
Genome position (GRCh38, 1-based): chr11:72,358,897, T>C on the plus strand (A>G on the coding strand, the complement: CLPB is on the minus strand). VCF-style: chr11-72358897-T-C. GRCh37 (hg19) VCF-style: chr11-72069941-T-C.
Other names: c.671A>G, p.Lys224Arg (NM_001258393.3); c.713A>G, p.Lys238Arg (NM_001258394.3); c.848A>G, p.Lys283Arg (NM_030813.6); short protein forms K224R, K283R, K238R, K253R.
Identifiers: ClinVar variation 962505 (VCV000962505.10), dbSNP rs761122843, ClinGen allele CA6171413.